The following is an entry in ClinVar:

NM_006899.5(IDH3B):c.677A>G (p.Asp226Gly)

Gene: IDH3B (isocitrate dehydrogenase (NAD(+)) 3 non-catalytic subunit beta; minus strand). Cytogenetic location: 20p13.
Variant type: single nucleotide variant.
Coding change: c.677A>G on transcript NM_006899.5 (MANE Select); coding-DNA position 677, A replaced by G.
Protein change: p.Asp226Gly; replaces aspartic acid 226 with glycine.
Molecular consequence: missense variant. On other transcripts: non-coding transcript variant (1).
Genome position (GRCh38, 1-based): chr20:2,660,354, T>C on the plus strand (A>G on the coding strand, the complement: IDH3B is on the minus strand). VCF-style: chr20-2660354-T-C. GRCh37 (hg19) VCF-style: chr20-2641000-T-C.
Other names: c.677A>G, p.Asp226Gly (NM_001258384.3, NM_001330763.2, NM_174855.4); short protein forms D226G.
Identifiers: ClinVar variation 2092247 (VCV002092247.4), dbSNP rs2514759520, ClinGen allele CA408036765.

ClinVar aggregate classification (germline): Uncertain significance (1 of 4 stars; one submission).

Submission:

Labcorp Genetics (formerly Invitae), Labcorp
Classification: Uncertain significance. Last evaluated: 2022-02-03. Review status: criteria provided, single submitter. Criteria: Invitae Variant Classification Sherloc (09022015). Collection method: clinical testing. Allele origin: germline.
Comment: This variant is not present in population databases (gnomAD no frequency). In summary, the available evidence is currently insufficient to determine the role of this variant in disease. Therefore, it has been classified as a Variant of Uncertain Significance. Algorithms developed to predict the effect of missense changes on protein structure and function are either unavailable or do not agree on the potential impact of this missense change (SIFT: "Not Available"; PolyPhen-2: "Probably Damaging"; Align-GVGD: "Not Available"). This variant has not been reported in the literature in individuals affected with IDH3B-related conditions. This sequence change replaces aspartic acid, which is acidic and polar, with glycine, which is neutral and non-polar, at codon 226 of the IDH3B protein (p.Asp226Gly).